The following is an entry in ClinVar:

ClinVar aggregate classification (germline): Likely pathogenic (1 of 4 stars; one submission).

Submission:

GeneDx
Classification: Likely pathogenic. Last evaluated: 2021-05-19. Review status: criteria provided, single submitter. Criteria: GeneDx Variant Classification Process June 2021. Collection method: clinical testing. Allele origin: germline. Affected: yes.
Comment: Nonsense variant in the C-terminus predicted to result in protein truncation, as the last 19 amino acids are lost, and other loss-of-function variants have been reported downstream in the Human Gene Mutation Database (Stenson et al., 2014); Not observed in large population cohorts (Lek et al., 2016); Has not been previously published as pathogenic or benign to our knowledge

NM_018684.4(ZC4H2):c.618C>A (p.Cys206Ter)

Gene: ZC4H2 (zinc finger C4H2-type containing; minus strand). Cytogenetic location: Xq11.2.
Variant type: single nucleotide variant.
Coding change: c.618C>A on transcript NM_018684.4 (MANE Select); coding-DNA position 618, C replaced by A.
Protein change: p.Cys206Ter; replaces cysteine 206 with a stop codon.
Molecular consequence: nonsense. On other transcripts: missense variant (1), non-coding transcript variant (1).
Genome position (GRCh38, 1-based): chrX:64,917,840, G>T on the plus strand (C>A on the coding strand, the complement: ZC4H2 is on the minus strand). VCF-style: chrX-64917840-G-T. GRCh37 (hg19) VCF-style: chrX-64137720-G-T.
Other names: c.549C>A, p.Cys183Ter (NM_001178032.3, NM_001243804.2); c.455C>A, p.Ala152Glu (NM_001178033.3); short protein forms A152E, C183*, C206*.
Identifiers: ClinVar variation 1189614 (VCV001189614.2), dbSNP rs2147345669, ClinGen allele CA413411136.